The following is an entry in ClinVar:

NM_000017.4(ACADS):c.682_683del (p.Glu228fs)

Gene: ACADS (acyl-CoA dehydrogenase short chain; plus strand). Cytogenetic location: 12q24.31.
Variant type: Deletion.
Coding change: c.682_683del on transcript NM_000017.4 (MANE Select); coding-DNA positions 682 to 683, 2 bases deleted (GA; older notation c.682_683delGA).
Protein change: p.Glu228fs; shifts the reading frame from glutamic acid 228.
Molecular consequence: frameshift variant.
Genome position (GRCh38, 1-based): chr12:120,738,337-120,738,338, GA deleted; deleting any 2 consecutive bases within chr12:120,738,336-120,738,338 gives the same sequence; the c. name uses the placement nearest the transcript's 3' end. VCF-style (leftmost placement, unchanged base first): chr12-120738335-AAG-A. GRCh37 (hg19) VCF-style: chr12-121176138-AAG-A.
Other names: c.670_671del, p.Glu224fs (NM_001302554.2); c.682_683delGA (NM_000017.3); short protein forms E224fs, E228fs.
Identifiers: ClinVar variation 189093 (VCV000189093.29), dbSNP rs786204691, ClinGen allele CA274371.

ClinVar aggregate classification (germline): Pathogenic. Review status: criteria provided, multiple submitters, no conflicts (2 of 4 stars). 7 submissions from 7 submitters: Pathogenic (5). 2 of the submissions do not count toward it. Last evaluated 2025-06-10.

Conditions:
ACADS-related disorder. Also called: ACADS-related condition.
Deficiency of butyryl-CoA dehydrogenase (ACADSD). Also called: ACADS DEFICIENCY; SCAD Deficiency; Short-Chain Acyl-CoA Dehydrogenase Deficiency; SCADH DEFICIENCY; SCAD DEFICIENCY, MILD; ACYL-CoA DEHYDROGENASE, SHORT-CHAIN, DEFICIENCY OF. Identifiers: Orphanet 26792, MedGen C0342783, MONDO:0008722, OMIM 201470. Disease mechanism: May be benign.

Submissions (7):

Labcorp Genetics (formerly Invitae), Labcorp
Classification: Pathogenic for Deficiency of butyryl-CoA dehydrogenase. Last evaluated: 2025-06-10. Review status: criteria provided, single submitter. Criteria: Invitae Variant Classification Sherloc (09022015). Collection method: clinical testing. Allele origin: germline.
Comment: This sequence change creates a premature translational stop signal (p.Glu228Argfs*16) in the ACADS gene. It is expected to result in an absent or disrupted protein product. Loss-of-function variants in ACADS are known to be pathogenic (PMID: 12736383, 18523805). This variant is not present in population databases (gnomAD no frequency). This premature translational stop signal has been observed in individual(s) with clinical features of ACADS-related conditions (PMID: 22241096). ClinVar contains an entry for this variant (Variation ID: 189093). For these reasons, this variant has been classified as Pathogenic.

CeGaT Center for Human Genetics Tuebingen
Classification: Pathogenic. Last evaluated: 2024-06-01. Review status: criteria provided, single submitter. Criteria: CeGaT Center For Human Genetics Tuebingen Variant Classification Criteria Version 2. Collection method: clinical testing. Allele origin: germline. Affected: yes. Observed: 1 variant allele.
Comment: ACADS: PVS1, PM2, PM3:Supporting

Fulgent Genetics
Classification: Pathogenic for Deficiency of butyryl-CoA dehydrogenase. Last evaluated: 2024-04-13. Review status: criteria provided, single submitter. Criteria: ACMG Guidelines, 2015. Collection method: clinical testing. Allele origin: germline.

Genome-Nilou Lab
Classification: Pathogenic for Deficiency of butyryl-CoA dehydrogenase. Last evaluated: 2021-11-07. Review status: criteria provided, single submitter. Criteria: ACMG Guidelines, 2015. Collection method: clinical testing. Allele origin: germline. Affected: no.

GeneDx
Classification: Pathogenic. Last evaluated: 2014-04-29. Review status: criteria provided, single submitter. Criteria: GeneDx Variant Classification (06012015). Collection method: clinical testing. Allele origin: germline. Affected: yes.
Comment: The c.682_683delGA mutation in the ACADS gene has been reported previously in association with short chain acyl-CoA dehydrogenase deficiency (Pena et al., 2012). The deletion causes a frameshift starting with codon Glutamic Acid 228, changes this amino acid to an Arginine residue and creates a premature Stop codon at position 16 of the new reading frame, denoted p.Glu228ArgfsX16. This mutation is predicted to cause loss of normal protein function either through protein truncation or nonsense-mediated mRNA decay. The surrounding sequence GAAA{delGA}AGAC. The variant is found in ACADS panel(s).

PreventionGenetics, part of Exact Sciences
Classification: Likely pathogenic for ACADS-related condition. Last evaluated: 2023-10-20. Review status: no assertion criteria provided. Collection method: clinical testing. Allele origin: germline. Not counted in ClinVar's aggregate classification.
Comment: The ACADS c.682_683delGA variant is predicted to result in a frameshift and premature protein termination (p.Glu228Argfs*16). This variant was reported along with another potentially causative variant in an individual with short-chain acyl-CoA-dehydrogenase deficiency (Pena. 2012. PubMed ID: 22241096). This variant has not been reported in a large population database, indicating this variant is rare. Frameshift variants in ACADS are expected to be pathogenic. This variant is interpreted as likely pathogenic.

Counsyl
Classification: Likely pathogenic for Deficiency of butyryl-CoA dehydrogenase. Last evaluated: 2014-12-16. Review status: no assertion criteria provided. Collection method: literature only. Allele origin: unknown. Inheritance: Autosomal recessive inheritance. Not counted in ClinVar's aggregate classification.

Literature cited by the submitters: PubMed 12736383 (cited by Labcorp Genetics (formerly Invitae), Labcorp); PubMed 18523805 (cited by Labcorp Genetics (formerly Invitae), Labcorp); PubMed 22241096 (cited by Labcorp Genetics (formerly Invitae), Labcorp and Counsyl).